The following is an entry in ClinVar:

ClinVar aggregate classification (germline): Likely benign (1 of 4 stars; one submission).

Allele frequency attached by ClinVar (database versions not stated): gnomAD exomes 0.00001.

Submission:

CeGaT Center for Human Genetics Tuebingen
Classification: Likely benign. Last evaluated: 2022-05-01. Review status: criteria provided, single submitter. Criteria: CeGaT Center For Human Genetics Tuebingen Variant Classification Criteria Version 2. Collection method: clinical testing. Allele origin: germline. Affected: yes. Observed: 1 variant allele.
Comment: SHANK3: PM2:Supporting, BP4, BP7

NM_001372044.2(SHANK3):c.3279G>C (p.Arg1093=)

Gene: SHANK3 (SH3 and multiple ankyrin repeat domains 3; plus strand). Cytogenetic location: 22q13.33.
Variant type: single nucleotide variant.
Coding change: c.3279G>C on transcript NM_001372044.2 (MANE Select); coding-DNA position 3279, G replaced by C.
Protein change: p.Arg1093=; no amino-acid change (arginine 1093 retained).
Molecular consequence: synonymous variant.
Genome position (GRCh38, 1-based): chr22:50,720,887, G>C. VCF-style: chr22-50720887-G-C. GRCh37 (hg19) VCF-style: chr22-51159315-G-C.
Other names: c.3054G>C, p.Arg1018= (NM_033517.1).
Identifiers: ClinVar variation 1695053 (VCV001695053.31), dbSNP rs2146830361, ClinGen allele CA515260577.